The following is an entry in ClinVar:

ClinVar aggregate classification (germline): Conflicting classifications of pathogenicity. Review status: criteria provided, conflicting classifications (1 of 4 stars). 2 submissions from 2 submitters: Uncertain significance (1); Likely benign (1). Last evaluated 2026-05-04.

Conditions:
Indifference to pain, congenital, autosomal dominant. Also called: CONGENITAL ANALGESIA, AUTOSOMAL DOMINANT. Identifiers: MedGen C4538468, OMIM 147430, MONDO:0007828.

gnomAD v4.1: 11 of 1,536,380 alleles (0.00072%); highest among the groups gnomAD compares: South Asian, 0.011%; no homozygotes.

Submissions (2):

Centre for Medical Genetics,  Mumbai
Classification: Likely benign for Indifference to pain, congenital, autosomal dominant. Last evaluated: 2026-05-04. Review status: criteria provided, single submitter. Criteria: ACMG Guidelines, 2015. Collection method: provider interpretation. Allele origin: germline. Inheritance: Autosomal dominant inheritance. Affected: no. Observed: 1 variant allele, 1 heterozygote.
Comment: The variant satisfies PM2 criteria - extremely low frequency in gnomAD population databases. However, the variant satisfies BS2 criteria - present in heterozygous state in an individual that clinically does not have Marsili syndrome.

Ambry Genetics
Classification: Uncertain significance. Last evaluated: 2025-05-29. Review status: criteria provided, single submitter. Criteria: Ambry Variant Classification Scheme 2023. Collection method: clinical testing. Allele origin: germline.

Literature cited by the submitters: PubMed 29253101 (cited by Centre for Medical Genetics,  Mumbai).

NM_033400.3(ZFHX2):c.5314G>A (p.Asp1772Asn)

Genes: THTPA (thiamine triphosphatase; plus strand), ZFHX2 (zinc finger homeobox 2; minus strand). Cytogenetic location: 14q11.2.
Variant type: single nucleotide variant.
Coding change: c.5314G>A on transcript NM_033400.3 (MANE Select); coding-DNA position 5314, G replaced by A.
Protein change: p.Asp1772Asn; replaces aspartic acid 1772 with asparagine.
Molecular consequence: missense variant.
Genome position (GRCh38, 1-based): chr14:23,524,628, C>T on the plus strand (G>A on the coding strand, the complement: ZFHX2 is on the minus strand). VCF-style: chr14-23524628-C-T. GRCh37 (hg19) VCF-style: chr14-23993837-C-T.
Other names: short protein forms D1772N.
Identifiers: ClinVar variation 3984415 (VCV003984415.2).